The following is an entry in ClinVar:

NM_000419.5(ITGA2B):c.812C>G (p.Ala271Gly)

Gene: ITGA2B (integrin subunit alpha 2b; minus strand). Cytogenetic location: 17q21.31.
Variant type: single nucleotide variant.
Coding change: c.812C>G on transcript NM_000419.5 (MANE Select); coding-DNA position 812, C replaced by G.
Protein change: p.Ala271Gly; replaces alanine 271 with glycine.
Molecular consequence: missense variant.
Genome position (GRCh38, 1-based): chr17:44,384,573, G>C on the plus strand (C>G on the coding strand, the complement: ITGA2B is on the minus strand). VCF-style: chr17-44384573-G-C. GRCh37 (hg19) VCF-style: chr17-42461941-G-C.
Other names: NM_000419.5:c.812C>G; short protein forms A271G.
Identifiers: ClinVar variation 1330344 (VCV001330344.2), dbSNP rs2143481840, ClinGen allele CA399805123.

ClinVar aggregate classification (germline): Likely pathogenic (3 of 4 stars; one submission).

Conditions:
Glanzmann thrombasthenia. Also called: THROMBASTHENIA OF GLANZMANN AND NAEGELI; BLEEDING DISORDER, PLATELET-TYPE, 2; Thrombasthenia; PLATELET GLYCOPROTEIN IIb-IIIa DEFICIENCY; Glanzmann's thrombasthenia. Identifiers: Orphanet 849, MedGen C0040015, MONDO:0100326.

Submission:

ClinGen Platelet Disorders Variant Curation Expert Panel, ClinGen
Classification: Likely pathogenic for Glanzmann thrombasthenia. Last evaluated: 2024-10-15. Review status: reviewed by expert panel. Criteria: ClinGen Platelet ACMG Specifications v2-1. Collection method: curation. Allele origin: germline. Inheritance: Autosomal recessive inheritance.
Comment: Missense variant NM_000419.5(ITGA2B):c.812C>G (p.Ala271Gly) has been identified in at least 2 probands, including GT6 of PMID: 29675921 meeting the criteria for PP4_strong criteria. Patient GT6 of PMID: 29675921 is compound heterozygous for Ala271Gly and Met724Ile (classified Likely Pathogenic) by the PD VCEP) and Patient 436 of the GT database is compound heterozygous for Ala271Gly and Tyr220Cys (classified Likely Pathogenic by the PD VCEP) (PM3_supporting). This variant is absent from gnomAD v4.1 (PM2_Supporting). In summary, this variant meets the criteria to be classified as Likely Pathogenic for autosomal recessive Glanzmann Thrombasthenia based on the ACMG/AMP criteria applied, as specified by the ClinGen PD VCEP: PM3_supporting, PM2_supporting, PP4_strong. (VCEP specifications version 2)